The following is an entry in ClinVar:

NM_001614.5(ACTG1):c.160G>A (p.Val54Met)

Gene: ACTG1 (actin gamma 1; minus strand). Cytogenetic location: 17q25.3.
Variant type: single nucleotide variant.
Coding change: c.160G>A on transcript NM_001614.5 (MANE Select); coding-DNA position 160, G replaced by A.
Protein change: p.Val54Met; replaces valine 54 with methionine.
Molecular consequence: missense variant. On other transcripts: non-coding transcript variant (1).
Genome position (GRCh38, 1-based): chr17:81,512,106, C>T on the plus strand (G>A on the coding strand, the complement: ACTG1 is on the minus strand). VCF-style: chr17-81512106-C-T. GRCh37 (hg19) VCF-style: chr17-79479132-C-T.
Other names: c.160G>A, p.Val54Met (NM_001199954.3); short protein forms V54M.
Identifiers: ClinVar variation 1445569 (VCV001445569.8), dbSNP rs2143784086, ClinGen allele CA401463273.

ClinVar aggregate classification (germline): Uncertain significance (1 of 4 stars; one submission).

Conditions:
Autosomal dominant nonsyndromic hearing loss 20. Identifiers: Orphanet 90635, MedGen C1858172, MONDO:0011480, OMIM 604717.
Baraitser-winter syndrome 2. Identifiers: Orphanet 2995, MedGen C3281235, MONDO:0013812, OMIM 614583.

Submission:

Labcorp Genetics (formerly Invitae), Labcorp
Classification: Uncertain significance for Baraitser-winter syndrome 2; Autosomal dominant nonsyndromic hearing loss 20. Last evaluated: 2022-07-19. Review status: criteria provided, single submitter. Criteria: Invitae Variant Classification Sherloc (09022015). Collection method: clinical testing. Allele origin: germline.
Comment: This sequence change replaces valine, which is neutral and non-polar, with methionine, which is neutral and non-polar, at codon 54 of the ACTG1 protein (p.Val54Met). This variant is not present in population databases (gnomAD no frequency). This variant has not been reported in the literature in individuals affected with ACTG1-related conditions. ClinVar contains an entry for this variant (Variation ID: 1445569). Algorithms developed to predict the effect of missense changes on protein structure and function are either unavailable or do not agree on the potential impact of this missense change (SIFT: "Deleterious"; PolyPhen-2: "Probably Damaging"; Align-GVGD: "Class C15"). In summary, the available evidence is currently insufficient to determine the role of this variant in disease. Therefore, it has been classified as a Variant of Uncertain Significance.